The following is an entry in ClinVar:

NM_006265.3(RAD21):c.538GAC[1] (p.Asp181del)

Gene: RAD21 (RAD21 cohesin complex component; minus strand). Cytogenetic location: 8q24.11.
Variant type: Microsatellite.
Coding change: c.538GAC[1] on transcript NM_006265.3 (MANE Select); one copy of the 3-base unit GAC starting at c.538; the reference has two copies in a row; one copy, 3 bases deleted.
Protein change: p.Asp181del; deletes aspartic acid 181.
Genome position (GRCh38, 1-based): chr8:116,857,412-116,857,414, GTC deleted on the plus strand (GAC on the coding strand, the reverse complement: RAD21 is on the minus strand); deleting any 3 consecutive bases within chr8:116,857,412-116,857,417 gives the same sequence; the position shown is the placement nearest the transcript's 3' end. VCF-style (leftmost placement, unchanged base first): chr8-116857411-TGTC-T. GRCh37 (hg19) VCF-style: chr8-117869650-TGTC-T.
Other names: short protein forms D181del.
Identifiers: ClinVar variation 4781555 (VCV004781555.1).

ClinVar aggregate classification (germline): Uncertain significance (1 of 4 stars; one submission).

Conditions:
Cornelia de Lange syndrome 4 (CDLS4). Also called: CORNELIA DE LANGE SYNDROME 4 WITH OR WITHOUT MIDLINE BRAIN DEFECTS; RAD21-Related Cornelia de Lange Syndrome. Identifiers: Orphanet 199, MedGen C3553517, MONDO:0013864, OMIM 614701.

Submission:

Labcorp Genetics (formerly Invitae), Labcorp
Classification: Uncertain significance for Cornelia de Lange syndrome 4. Last evaluated: 2025-12-30. Review status: criteria provided, single submitter. Criteria: Invitae Variant Classification Sherloc (09022015). Collection method: clinical testing. Allele origin: germline.
Comment: This variant, c.541_543del, results in the deletion of 1 amino acid(s) of the RAD21 protein (p.Asp181del), but otherwise preserves the integrity of the reading frame. This variant is present in population databases (no rsID available, gnomAD 0.003%). This variant has not been reported in the literature in individuals affected with RAD21-related conditions. Experimental studies and prediction algorithms are not available or were not evaluated, and the functional significance of this variant is currently unknown. In summary, the available evidence is currently insufficient to determine the role of this variant in disease. Therefore, it has been classified as a Variant of Uncertain Significance.